The following is an entry in ClinVar:

ClinVar aggregate classification (germline): Uncertain significance (1 of 4 stars; one submission).

Allele frequency attached by ClinVar (database versions not stated): gnomAD exomes below 0.00001.
gnomAD v4.1: 11 of 1,614,064 alleles (0.00068%); highest among the groups gnomAD compares: Middle Eastern, 0.033%; no homozygotes.

Submission:

Labcorp Genetics (formerly Invitae), Labcorp
Classification: Uncertain significance. Last evaluated: 2023-10-20. Review status: criteria provided, single submitter. Criteria: Invitae Variant Classification Sherloc (09022015). Collection method: clinical testing. Allele origin: germline.
Comment: This sequence change replaces glutamine, which is neutral and polar, with histidine, which is basic and polar, at codon 317 of the TET2 protein (p.Gln317His). This variant is present in population databases (no rsID available, gnomAD 0.002%). This variant has not been reported in the literature in individuals affected with TET2-related conditions. An algorithm developed to predict the effect of missense changes on protein structure and function (PolyPhen-2) suggests that this variant is likely to be disruptive. In summary, the available evidence is currently insufficient to determine the role of this variant in disease. Therefore, it has been classified as a Variant of Uncertain Significance.

NM_001127208.3(TET2):c.951G>C (p.Gln317His)

Genes: TET2 (tet methylcytosine dioxygenase 2; plus strand), TET2-AS1 (TET2 antisense RNA 1; minus strand). Cytogenetic location: 4q24.
Variant type: single nucleotide variant.
Coding change: c.951G>C on transcript NM_001127208.3 (MANE Select); coding-DNA position 951, G replaced by C.
Protein change: p.Gln317His; replaces glutamine 317 with histidine.
Molecular consequence: missense variant.
Genome position (GRCh38, 1-based): chr4:105,234,893, G>C. VCF-style: chr4-105234893-G-C. GRCh37 (hg19) VCF-style: chr4-106156050-G-C.
Other names: c.951G>C, p.Gln317His (NM_017628.4); short protein forms Q317H.
Identifiers: ClinVar variation 2993463 (VCV002993463.3), dbSNP rs1337870077, ClinGen allele CA357793431.